The following is an entry in ClinVar:

NM_138694.4(PKHD1):c.7944del (p.Asn2649fs)

Gene: PKHD1 (PKHD1 ciliary IPT domain containing fibrocystin/polyductin; minus strand). Cytogenetic location: 6p12.2.
Variant type: Deletion.
Coding change: c.7944del on transcript NM_138694.4 (MANE Select); coding-DNA position 7944, one base deleted (T; older notation c.7944delT).
Protein change: p.Asn2649fs; shifts the reading frame from asparagine 2649.
Molecular consequence: frameshift variant.
Genome position (GRCh38, 1-based): chr6:51,847,938, A deleted on the plus strand (T on the coding strand, the reverse complement: PKHD1 is on the minus strand). VCF-style (leftmost placement, unchanged base first): chr6-51847937-TA-T. GRCh37 (hg19) VCF-style: chr6-51712735-TA-T.
Other names: c.7944del, p.Asn2649fs (NM_170724.3); c.7944delT (NM_138694.4); short protein forms N2649fs.
Identifiers: ClinVar variation 2015682 (VCV002015682.5), dbSNP rs2535688886, ClinGen allele CA2580075439.
Genomic context (GRCh38, chr6:51,847,937, plus strand): 5'-CACATCTTAGGAGGATGTCAGGGTAAGGCGGCAAATCTGTGTGCACCAGCAGTAGGTAAT[TA>T]CCAGGAGCAAAGTTGTCAAAGGTTGCTGAGTACTTGAAGTGAAAGAAAAACACAATAGTG-3'

ClinVar aggregate classification (germline): Pathogenic. Review status: criteria provided, multiple submitters, no conflicts (2 of 4 stars). 2 submissions from 2 submitters: Pathogenic (2). Last evaluated 2025-07-10.

Conditions:
Autosomal recessive polycystic kidney disease (ARPKD). Also called: AR polycystic kidney disease. Identifiers: Orphanet 731, Orphanet 8378, MedGen C0085548, MeSH D017044, MONDO:0009889.

Allele frequency attached by ClinVar (database versions not stated): gnomAD exomes below 0.00001.

Submissions (2):

Women's Health and Genetics/Laboratory Corporation of America, LabCorp
Classification: Pathogenic for Autosomal recessive polycystic kidney disease. Last evaluated: 2025-07-10. Review status: criteria provided, single submitter. Criteria: LabCorp Variant Classification Summary - May 2015. Collection method: clinical testing. Allele origin: germline.
Comment: Variant summary: PKHD1 c.7944delT (p.Asn2649IlefsX18) results in a premature termination codon, predicted to cause a truncation of the encoded protein or absence of the protein due to nonsense mediated decay, which are commonly known mechanisms for disease. The variant allele was found at a frequency of 6.2e-07 in 1606978 control chromosomes (gnomAD). To our knowledge, no occurrence of c.7944delT in individuals affected with Polycystic Kidney And Hepatic Disease and no experimental evidence demonstrating its impact on protein function have been reported. ClinVar contains an entry for this variant (Variation ID: 2015682). Based on the evidence outlined above, the variant was classified as pathogenic.

Labcorp Genetics (formerly Invitae), Labcorp
Classification: Pathogenic for Autosomal recessive polycystic kidney disease. Last evaluated: 2022-07-22. Review status: criteria provided, single submitter. Criteria: Invitae Variant Classification Sherloc (09022015). Collection method: clinical testing. Allele origin: germline.
Comment: For these reasons, this variant has been classified as Pathogenic. This variant has not been reported in the literature in individuals affected with PKHD1-related conditions. This variant is not present in population databases (gnomAD no frequency). This sequence change creates a premature translational stop signal (p.Asn2649Ilefs*18) in the PKHD1 gene. It is expected to result in an absent or disrupted protein product. Loss-of-function variants in PKHD1 are known to be pathogenic (PMID: 19940839).

Literature cited by the submitters: PubMed 19940839 (cited by Labcorp Genetics (formerly Invitae), Labcorp).